The following is an entry in ClinVar:

ClinVar aggregate classification (germline): Benign. Review status: criteria provided, multiple submitters, no conflicts (2 of 4 stars). 4 submissions from 4 submitters: Benign (4). Last evaluated 2026-01-30.

Conditions:
Intellectual developmental disorder, autosomal recessive 5. Also called: Intellectual disability, autosomal recessive 5. Identifiers: Orphanet 88616, MedGen C1970199, MONDO:0012613, OMIM 611091.
Inborn genetic diseases. Identifiers: MedGen C0950123, MeSH D030342.

Allele frequency attached by ClinVar (database versions not stated): ExAC 0.00600; gnomAD 0.00262 and 0.00351; gnomAD exomes 0.00614 and 0.00206; 1000 Genomes Project 30x 0.01749; TOPMed 0.00376; 1000 Genomes Project 0.01837; ESP Exome Variant Server 0.00062.
gnomAD v4.1: 3,791 of 1,609,288 alleles (0.24%); highest among the groups gnomAD compares: East Asian, 6.8%; 111 homozygotes.

Submissions (4):

Labcorp Genetics (formerly Invitae), Labcorp
Classification: Benign. Last evaluated: 2026-01-30. Review status: criteria provided, single submitter. Criteria: Invitae Variant Classification Sherloc (09022015). Collection method: clinical testing. Allele origin: germline.

GeneDx
Classification: Benign. Last evaluated: 2019-09-13. Review status: criteria provided, single submitter. Criteria: GeneDx Variant Classification Process June 2021. Collection method: clinical testing. Allele origin: germline. Affected: yes.

Illumina Laboratory Services, Illumina
Classification: Benign for Intellectual developmental disorder, autosomal recessive 5. Last evaluated: 2018-01-13. Review status: criteria provided, single submitter. Criteria: ICSL Variant Classification Criteria 13 December 2019. Collection method: clinical testing. Allele origin: germline.
Comment: This variant was observed in the ICSL laboratory as part of a predisposition screen in an ostensibly healthy population. It had not been previously curated by ICSL or reported in the Human Gene Mutation Database (HGMD: prior to June 1st, 2018), and was therefore a candidate for classification through an automated scoring system. Utilizing variant allele frequency, disease prevalence and penetrance estimates, and inheritance mode, an automated score was calculated to assess if this variant is too frequent to cause the disease. Based on the score and internal cut-off values, a variant classified as benign is not then subjected to further curation. The score for this variant resulted in a classification of benign for this disease.

Ambry Genetics
Classification: Benign for Inborn genetic diseases. Last evaluated: 2016-04-20. Review status: criteria provided, single submitter. Criteria: Ambry Variant Classification Scheme 2023. Collection method: clinical testing. Allele origin: germline.

NM_017755.6(NSUN2):c.1879G>A (p.Val627Ile)

Gene: NSUN2 (NOP2/Sun RNA methyltransferase 2; minus strand). Cytogenetic location: 5p15.31.
Variant type: single nucleotide variant.
Coding change: c.1879G>A on transcript NM_017755.6 (MANE Select); coding-DNA position 1879, G replaced by A.
Protein change: p.Val627Ile; replaces valine 627 with isoleucine.
Molecular consequence: missense variant. On other transcripts: non-coding transcript variant (1).
Genome position (GRCh38, 1-based): chr5:6,604,216, C>T on the plus strand (G>A on the coding strand, the complement: NSUN2 is on the minus strand). VCF-style: chr5-6604216-C-T. GRCh37 (hg19) VCF-style: chr5-6604329-C-T.
Other names: c.1774G>A, p.Val592Ile (NM_001193455.2); short protein forms V627I, V592I.
Identifiers: ClinVar variation 354053 (VCV000354053.21), dbSNP rs2303708, ClinGen allele CA3192278.